The following is an entry in ClinVar:

NM_003849.4(SUCLG1):c.670G>A (p.Val224Ile)

Gene: SUCLG1 (succinate-CoA ligase GDP/ADP-forming subunit alpha; minus strand). Cytogenetic location: 2p11.2.
Variant type: single nucleotide variant.
Coding change: c.670G>A on transcript NM_003849.4 (MANE Select); coding-DNA position 670, G replaced by A.
Protein change: p.Val224Ile; replaces valine 224 with isoleucine.
Molecular consequence: missense variant.
Genome position (GRCh38, 1-based): chr2:84,433,355, C>T on the plus strand (G>A on the coding strand, the complement: SUCLG1 is on the minus strand). VCF-style: chr2-84433355-C-T. GRCh37 (hg19) VCF-style: chr2-84660479-C-T.
Other names: c.670G>A (NM_003849.3); short protein forms V224I.
Identifiers: ClinVar variation 1354680 (VCV001354680.6), dbSNP rs533146473, ClinGen allele CA1736228.
Genomic context (GRCh38, chr2:84,433,355, plus strand): 5'-ACTCATCCAATGAAGACACCACACTCCAATAAAATGATTTTAGCAAAAGTCCCTCACCAA[C>T]GCACAAAGACTGCCCCAATCCAACTTGCGTTGTTTGGTGAACTGCTTCATAAGTCAGGGT-3'
Protein context (NP_003840.2, residues 214-234): TQVGLGQSLC[Val224Ile]GIGGDPFNGT

ClinVar aggregate classification (germline): Conflicting classifications of pathogenicity. Review status: criteria provided, conflicting classifications (1 of 4 stars). 2 submissions from 2 submitters: Uncertain significance (1); Likely benign (1). Last evaluated 2024-01-12.

Conditions:
Inborn genetic diseases. Identifiers: MedGen C0950123, MeSH D030342.
Mitochondrial DNA depletion syndrome 9 (MTDPS9). Also called: SUCLG1-Related Mitochondrial DNA Depletion Syndrome, Encephalomyopathic Form with Methylmalonic Aciduria. Identifiers: Orphanet 17, MedGen C3151476, MONDO:0009504, OMIM 245400.

Allele frequency attached by ClinVar (database versions not stated): gnomAD exomes 0.00001 and 0.00003; ExAC 0.00002; gnomAD 0.00003 and 0.00004; TOPMed 0.00003; 1000 Genomes Project 30x 0.00016; 1000 Genomes Project 0.00020.
gnomAD v4.1: 18 of 1,613,832 alleles (0.0011%); highest among the groups gnomAD compares: East Asian, 0.011%; no homozygotes.

Submissions (2):

Labcorp Genetics (formerly Invitae), Labcorp
Classification: Uncertain significance for Mitochondrial DNA depletion syndrome 9. Last evaluated: 2024-01-12. Review status: criteria provided, single submitter. Criteria: Invitae Variant Classification Sherloc (09022015). Collection method: clinical testing. Allele origin: germline.
Comment: This sequence change replaces valine, which is neutral and non-polar, with isoleucine, which is neutral and non-polar, at codon 224 of the SUCLG1 protein (p.Val224Ile). This variant is present in population databases (rs533146473, gnomAD 0.03%). This variant has not been reported in the literature in individuals affected with SUCLG1-related conditions. ClinVar contains an entry for this variant (Variation ID: 1354680). Algorithms developed to predict the effect of missense changes on protein structure and function output the following: SIFT: "Not Available"; PolyPhen-2: "Benign"; Align-GVGD: "Not Available". The isoleucine amino acid residue is found in multiple mammalian species, which suggests that this missense change does not adversely affect protein function. In summary, the available evidence is currently insufficient to determine the role of this variant in disease. Therefore, it has been classified as a Variant of Uncertain Significance.

Ambry Genetics
Classification: Likely benign for Inborn genetic diseases. Last evaluated: 2023-05-03. Review status: criteria provided, single submitter. Criteria: Ambry Variant Classification Scheme 2023. Collection method: clinical testing. Allele origin: germline.